The following is an entry in ClinVar:

ClinVar aggregate classification (germline): Pathogenic (1 of 4 stars; one submission).

Conditions:
Hyper-IgE recurrent infection syndrome 3, autosomal recessive. Also called: Autosomal recessive hyper-IgE syndrome due to ZNF341 deficiency; HYPER-IgE SYNDROME 3, AUTOSOMAL RECESSIVE, WITH RECURRENT INFECTIONS. Identifiers: Orphanet 641368, MedGen C4748969, MONDO:0032654, OMIM 618282.

Submission:

Labcorp Genetics (formerly Invitae), Labcorp
Classification: Pathogenic for Combined immunodeficiency due to DOCK8 deficiency. Last evaluated: 2022-10-18. Review status: criteria provided, single submitter. Criteria: Invitae Variant Classification Sherloc (09022015). Collection method: clinical testing. Allele origin: germline.
Comment: For these reasons, this variant has been classified as Pathogenic. The region of the DOCK8 gene that includes exon(s) 39-47 has been determined to be clinically significant (PMID: 24797421, 26659092, 31596517). Therefore, deletions that encompass that region are likely to be disease-causing. This variant has not been reported in the literature in individuals affected with DOCK8-related conditions. This variant is a gross deletion of the genomic region encompassing exon(s) 15-48 of the DOCK8 gene, which includes the termination codon. This deletion extends beyond the assayed region for this gene and therefore may encompass additional genes. While this deletion is not anticipated to lead to nonsense mediated decay, it is expected to alter mRNA translation or result in a truncated protein product.

Literature cited by the submitters: PubMed 24797421; PubMed 26659092; PubMed 31596517.

NC_000009.11:g.(?_367998)_(464219_?)del

Gene: DOCK8 (dedicator of cytokinesis 8; plus strand). Cytogenetic location: 9p24.3.
Variant type: Deletion.
Identifiers: ClinVar variation 2427694 (VCV002427694.8).